The following is an entry in ClinVar:

NM_001134363.3(RBM20):c.3097G>T (p.Glu1033Ter)

Gene: RBM20 (RNA binding motif protein 20; plus strand). Cytogenetic location: 10q25.2.
Variant type: single nucleotide variant.
Coding change: c.3097G>T on transcript NM_001134363.3 (MANE Select); coding-DNA position 3097, G replaced by T.
Protein change: p.Glu1033Ter; replaces glutamic acid 1033 with a stop codon.
Molecular consequence: nonsense.
Genome position (GRCh38, 1-based): chr10:110,821,716, G>T. VCF-style: chr10-110821716-G-T. GRCh37 (hg19) VCF-style: chr10-112581474-G-T.
Other names: short protein forms E1033*.
Identifiers: ClinVar variation 3723932 (VCV003723932.2).

ClinVar aggregate classification (germline): Pathogenic (1 of 4 stars; one submission).

Conditions:
Dilated cardiomyopathy 1DD (CMD1DD). Identifiers: Orphanet 154, MedGen C2750995, MONDO:0013168, OMIM 613172.

Submission:

Labcorp Genetics (formerly Invitae), Labcorp
Classification: Pathogenic for Dilated cardiomyopathy 1DD. Last evaluated: 2025-11-21. Review status: criteria provided, single submitter. Criteria: Invitae Variant Classification Sherloc (09022015). Collection method: clinical testing. Allele origin: germline.
Comment: This sequence change creates a premature translational stop signal (p.Glu1033*) in the RBM20 gene. It is expected to result in an absent or disrupted protein product. Loss-of-function variants in RBM20 are known to be pathogenic (PMID: 20590677, 22004663, 38288598, 38510713, 40339755). This variant is not present in population databases (gnomAD no frequency). This variant has not been reported in the literature in individuals affected with RBM20-related conditions. ClinVar contains an entry for this variant (Variation ID: 3723932). For these reasons, this variant has been classified as Pathogenic.

Literature cited by the submitters: PubMed 20590677; PubMed 22004663; PubMed 38288598; PubMed 38510713; PubMed 40339755.